The following is an entry in ClinVar:

ClinVar aggregate classification (germline): Benign (1 of 4 stars; one submission).

Allele frequency attached by ClinVar (database versions not stated): gnomAD 0.02609 and 0.02783; TOPMed 0.02989; 1000 Genomes Project 0.03235; 1000 Genomes Project 30x 0.03638.
gnomAD v4.1: 3,932 of 152,092 alleles (2.6%); highest among the groups gnomAD compares: African/African-American, 8.8%; 172 homozygotes.

Submission:

GeneDx
Classification: Benign. Last evaluated: 2018-06-14. Review status: criteria provided, single submitter. Criteria: GeneDx Variant Classification (06012015). Collection method: clinical testing. Allele origin: germline. Affected: yes.
Comment: This variant is considered likely benign or benign based on one or more of the following criteria: it is a conservative change, it occurs at a poorly conserved position in the protein, it is predicted to be benign by multiple in silico algorithms, and/or has population frequency not consistent with disease.

NM_001035.3(RYR2):c.3424-212G>A

Gene: RYR2 (ryanodine receptor 2; plus strand). Cytogenetic location: 1q43.
Variant type: single nucleotide variant.
Coding change: c.3424-212G>A on transcript NM_001035.3 (MANE Select); 212 bases into the intron before coding-DNA position 3424, G replaced by A.
Molecular consequence: intron variant.
Genome position (GRCh38, 1-based): chr1:237,568,933, G>A. VCF-style: chr1-237568933-G-A. GRCh37 (hg19) VCF-style: chr1-237732233-G-A.
Identifiers: ClinVar variation 674597 (VCV000674597.1), dbSNP rs76949240, ClinGen allele CA39783300.